The following is an entry in ClinVar:

NM_033310.3(KCNK4):c.4C>A (p.Arg2Ser)

Genes: KCNK4-CATSPERZ (KCNK4-CATSPERZ readthrough (NMD candidate); plus strand), KCNK4 (potassium two pore domain channel subfamily K member 4; plus strand). Cytogenetic location: 11q13.1.
Variant type: single nucleotide variant.
Coding change: c.4C>A on transcript NM_033310.3 (MANE Select); coding-DNA position 4, C replaced by A.
Protein change: p.Arg2Ser; replaces arginine 2 with serine.
Molecular consequence: missense variant. On other transcripts: non-coding transcript variant (2).
Genome position (GRCh38, 1-based): chr11:64,293,022, C>A. VCF-style: chr11-64293022-C-A. GRCh37 (hg19) VCF-style: chr11-64060494-C-A.
Other names: c.4C>A, p.Arg2Ser (NM_001317090.2, NM_033311.1); short protein forms R2S.
Identifiers: ClinVar variation 2838717 (VCV002838717.3), dbSNP rs559128859, ClinGen allele CA223876367.

ClinVar aggregate classification (germline): Uncertain significance (1 of 4 stars; one submission).

Submission:

Labcorp Genetics (formerly Invitae), Labcorp
Classification: Uncertain significance. Last evaluated: 2023-08-07. Review status: criteria provided, single submitter. Criteria: Invitae Variant Classification Sherloc (09022015). Collection method: clinical testing. Allele origin: germline.
Comment: This sequence change replaces arginine, which is basic and polar, with serine, which is neutral and polar, at codon 2 of the KCNK4 protein (p.Arg2Ser). This variant is not present in population databases (gnomAD no frequency). This variant has not been reported in the literature in individuals affected with KCNK4-related conditions. An algorithm developed to predict the effect of missense changes on protein structure and function (PolyPhen-2) suggests that this variant is likely to be disruptive. In summary, the available evidence is currently insufficient to determine the role of this variant in disease. Therefore, it has been classified as a Variant of Uncertain Significance.